The following is an entry in ClinVar:

ClinVar aggregate classification (germline): Uncertain significance (1 of 4 stars; one submission).

Submission:

GeneDx
Classification: Uncertain significance. Last evaluated: 2024-10-18. Review status: criteria provided, single submitter. Criteria: GeneDx Variant Classification Process June 2021. Collection method: clinical testing. Allele origin: germline. Affected: yes.
Comment: Not observed at significant frequency in large population cohorts (gnomAD); In silico analysis indicates that this missense variant does not alter protein structure/function; Has not been previously published as pathogenic or benign to our knowledge

NM_001242896.3(DEPDC5):c.1736G>A (p.Ser579Asn)

Gene: DEPDC5 (DEP domain containing 5, GATOR1 subcomplex subunit; plus strand). Cytogenetic location: 22q12.3.
Variant type: single nucleotide variant.
Coding change: c.1736G>A on transcript NM_001242896.3 (MANE Select); coding-DNA position 1736, G replaced by A.
Protein change: p.Ser579Asn; replaces serine 579 with asparagine.
Molecular consequence: missense variant. On other transcripts: non-coding transcript variant (5).
Genome position (GRCh38, 1-based): chr22:31,819,091, G>A. VCF-style: chr22-31819091-G-A. GRCh37 (hg19) VCF-style: chr22-32215077-G-A.
Other names: c.1736G>A, p.Ser579Asn (NM_001136029.4, NM_001242897.2, NM_001363852.2 and 6 more transcripts); c.1652G>A, p.Ser551Asn (NM_001369901.1, NM_001369902.1); short protein forms S579N, S551N.
Identifiers: ClinVar variation 3781192 (VCV003781192.1).